The following is an entry in ClinVar:

NM_017819.4(TRMT10C):c.224A>C (p.Gln75Pro)

Gene: TRMT10C (tRNA methyltransferase 10C, mitochondrial RNase P subunit; plus strand). Cytogenetic location: 3q12.3.
Variant type: single nucleotide variant.
Coding change: c.224A>C on transcript NM_017819.4 (MANE Select); coding-DNA position 224, A replaced by C.
Protein change: p.Gln75Pro; replaces glutamine 75 with proline.
Molecular consequence: missense variant.
Genome position (GRCh38, 1-based): chr3:101,565,005, A>C. VCF-style: chr3-101565005-A-C. GRCh37 (hg19) VCF-style: chr3-101283849-A-C.
Other names: c.224A>C (NM_017819.2); short protein forms Q75P.
Identifiers: ClinVar variation 1951477 (VCV001951477.6), dbSNP rs758632984, ClinGen allele CA2520488.

ClinVar aggregate classification (germline): Uncertain significance. Review status: criteria provided, multiple submitters, no conflicts (2 of 4 stars). 2 submissions from 2 submitters: Uncertain significance (2). Last evaluated 2025-08-22.

Allele frequency attached by ClinVar (database versions not stated): ExAC 0.00001; TOPMed 0.00002; gnomAD 0.00003.

Submissions (2):

Ambry Genetics
Classification: Uncertain significance. Last evaluated: 2025-08-22. Review status: criteria provided, single submitter. Criteria: Ambry Variant Classification Scheme 2023. Collection method: clinical testing. Allele origin: germline.

Labcorp Genetics (formerly Invitae), Labcorp
Classification: Uncertain significance. Last evaluated: 2022-06-11. Review status: criteria provided, single submitter. Criteria: Invitae Variant Classification Sherloc (09022015). Collection method: clinical testing. Allele origin: germline.
Comment: This sequence change replaces glutamine, which is neutral and polar, with proline, which is neutral and non-polar, at codon 75 of the TRMT10C protein (p.Gln75Pro). In summary, the available evidence is currently insufficient to determine the role of this variant in disease. Therefore, it has been classified as a Variant of Uncertain Significance. Algorithms developed to predict the effect of missense changes on protein structure and function (SIFT, PolyPhen-2, Align-GVGD) all suggest that this variant is likely to be tolerated. This variant has not been reported in the literature in individuals affected with TRMT10C-related conditions. This variant is present in population databases (rs758632984, gnomAD 0.007%).